The following is an entry in ClinVar:

NM_005050.4(ABCD4):c.815-13G>C

Gene: ABCD4 (ATP binding cassette subfamily D member 4; minus strand). Cytogenetic location: 14q24.3.
Variant type: single nucleotide variant.
Coding change: c.815-13G>C on transcript NM_005050.4 (MANE Select); 13 bases into the intron before coding-DNA position 815, G replaced by C.
Molecular consequence: intron variant.
Genome position (GRCh38, 1-based): chr14:74,292,882, C>G on the plus strand (G>C on the coding strand, the complement: ABCD4 is on the minus strand). VCF-style: chr14-74292882-C-G. GRCh37 (hg19) VCF-style: chr14-74759585-C-G.
Other names: p.?; c.26-13G>C (NM_001353607.2, NM_001353604.2, NM_001353603.2 and 6 more transcripts); c.338-13G>C (NM_001353598.2, NM_001353601.2, NM_001353600.2 and 2 more transcripts); c.503-13G>C (NM_001353594.2); c.554-13G>C (NM_001353593.2); c.350-13G>C (NM_001353597.2); c.401-13G>C (NM_001353596.2, NM_001353595.2); c.689-13G>C (NM_001353591.2, NM_001353592.2); and 1 more.
Identifiers: ClinVar variation 380501 (VCV000380501.12), dbSNP rs74063815, ClinGen allele CA7267041.

ClinVar aggregate classification (germline): Benign. Review status: criteria provided, multiple submitters, no conflicts (2 of 4 stars). 4 submissions from 4 submitters: Benign (4). Last evaluated 2026-02-04.

Conditions:
Methylmalonic acidemia with homocystinuria, type cblJ (MAHCJ). Also called: METHYLMALONIC ACIDURIA AND HOMOCYSTINURIA, cblJ TYPE. Identifiers: Orphanet 369955, MedGen C3553915, MONDO:0013925, OMIM 614857.

Allele frequency attached by ClinVar (database versions not stated): gnomAD exomes 0.00637 and 0.01677; ExAC 0.02060; gnomAD 0.06529 and 0.06964; 1000 Genomes Project 0.07268; TOPMed 0.07329; ESP Exome Variant Server 0.07481; 1000 Genomes Project 30x 0.07995.
gnomAD v4.1: 19,661 of 1,614,012 alleles (1.2%); highest among the groups gnomAD compares: African/African-American, 23%; 2,017 homozygotes.

Submissions (4):

Labcorp Genetics (formerly Invitae), Labcorp
Classification: Benign for Methylmalonic acidemia with homocystinuria, type cblJ. Last evaluated: 2026-02-04. Review status: criteria provided, single submitter. Criteria: Invitae Variant Classification Sherloc (09022015). Collection method: clinical testing. Allele origin: germline.

Mayo Clinic Laboratories, Mayo Clinic
Classification: Benign. Last evaluated: 2022-07-22. Review status: criteria provided, single submitter. Criteria: ACMG Guidelines, 2015. Collection method: clinical testing. Allele origin: germline. Observed: 5 variant alleles.

GeneDx
Classification: Benign. Last evaluated: 2016-02-23. Review status: criteria provided, single submitter. Criteria: GeneDx Variant Classification (06012015). Collection method: clinical testing. Allele origin: germline. Affected: yes.
Comment: This variant is considered likely benign or benign based on one or more of the following criteria: it is a conservative change, it occurs at a poorly conserved position in the protein, it is predicted to be benign by multiple in silico algorithms, and/or has population frequency not consistent with disease.

Breakthrough Genomics
Classification: Benign. Review status: criteria provided, single submitter. Criteria: ACMG Guidelines, 2015. Collection method: not provided. Allele origin: germline. Inheritance: Autosomal recessive inheritance. Affected: yes.